The following is an entry in ClinVar:

ClinVar aggregate classification (germline): Pathogenic (1 of 4 stars; one submission).

Conditions:
Familial thoracic aortic aneurysm and aortic dissection (TAAD). Also called: Thoracic aortic aneurysms and dissections. Identifiers: Orphanet 91387, MedGen C4707243, MONDO:0019625.
Marfan syndrome (MFS). Also called: Marfan syndrome type 1; Marfan's syndrome; Marfan syndrome, classic; MARFAN SYNDROME, TYPE I; FBN1-Related Marfan Syndrome. Identifiers: Orphanet 284963, Orphanet 558, MedGen C0024796, MONDO:0007947, OMIM 154700.

Submission:

Labcorp Genetics (formerly Invitae), Labcorp
Classification: Pathogenic for Marfan syndrome; Familial thoracic aortic aneurysm and aortic dissection. Last evaluated: 2021-05-16. Review status: criteria provided, single submitter. Criteria: Invitae Variant Classification Sherloc (09022015). Collection method: clinical testing. Allele origin: germline.
Comment: Algorithms developed to predict the effect of sequence changes on RNA splicing suggest that this variant may create or strengthen a splice site, but this prediction has not been confirmed by published transcriptional studies. For these reasons, this variant has been classified as Pathogenic. This variant has been observed in individual(s) with Marfan syndrome (PMID: 19293843). In at least one individual the variant was observed to be de novo. This variant is not present in population databases (ExAC no frequency). This sequence change creates a premature translational stop signal (p.Gln2656*) in the FBN1 gene. It is expected to result in an absent or disrupted protein product. Loss-of-function variants in FBN1 are known to be pathogenic (PMID: 17657824, 19293843).

Literature cited by the submitters: PubMed 19293843; PubMed 17657824.

NM_000138.5(FBN1):c.7966C>T (p.Gln2656Ter)

Gene: FBN1 (fibrillin 1; minus strand). Cytogenetic location: 15q21.1.
Variant type: single nucleotide variant.
Coding change: c.7966C>T on transcript NM_000138.5 (MANE Select); coding-DNA position 7966, C replaced by T.
Protein change: p.Gln2656Ter; replaces glutamine 2656 with a stop codon.
Molecular consequence: nonsense.
Genome position (GRCh38, 1-based): chr15:48,415,621, G>A on the plus strand (C>T on the coding strand, the complement: FBN1 is on the minus strand). VCF-style: chr15-48415621-G-A. GRCh37 (hg19) VCF-style: chr15-48707818-G-A.
Other names: short protein forms Q2656*.
Identifiers: ClinVar variation 1071314 (VCV001071314.9), dbSNP rs2141214772, ClinGen allele CA392322909.